The following is an entry in ClinVar:

Conditions:
Long QT syndrome 5 (LQT5). Identifiers: Orphanet 101016, Orphanet 768, MedGen C1867904, MONDO:0013372, OMIM 613695.

Submission:

Roden Lab, Vanderbilt University Medical Center
No classification provided (evidence only). Condition: Long QT syndrome 5. Review status: no classification provided. Collection method: in vitro. Allele origin: not applicable. Functional consequence: Effect on ion channel function.
ClinVar note: "not provided" was previously submitted as the classification for the variant. However, the classification appeared to be based only on an observation of functional data so it was converted to no classification on 2025-07-30.

NM_000219.6(KCNE1):c.328G>C (p.Glu110Gln)

Gene: KCNE1 (potassium voltage-gated channel subfamily E regulatory subunit 1; minus strand). Cytogenetic location: 21q22.12.
Variant type: single nucleotide variant.
Coding change: c.328G>C on transcript NM_000219.6 (MANE Select); coding-DNA position 328, G replaced by C.
Protein change: p.Glu110Gln; replaces glutamic acid 110 with glutamine.
Molecular consequence: missense variant.
Genome position (GRCh38, 1-based): chr21:34,449,307, C>G on the plus strand (G>C on the coding strand, the complement: KCNE1 is on the minus strand). VCF-style: chr21-34449307-C-G. GRCh37 (hg19) VCF-style: chr21-35821605-C-G.
Other names: c.328G>C, p.Glu110Gln (NM_001127668.4, NM_001127669.4, NM_001127670.4 and 4 more transcripts); short protein forms E110Q.
Identifiers: ClinVar variation 3374651 (VCV003374651.2).